The following is an entry in ClinVar:

ClinVar aggregate classification (germline): Uncertain significance (1 of 4 stars; one submission).

Conditions:
Brugada syndrome 8 (BRGDA8). Identifiers: Orphanet 130, MedGen C2751083, MONDO:0013148, OMIM 613123.

Submission:

Labcorp Genetics (formerly Invitae), Labcorp
Classification: Uncertain significance for Brugada syndrome 8. Last evaluated: 2025-02-06. Review status: criteria provided, single submitter. Criteria: Invitae Variant Classification Sherloc (09022015). Collection method: clinical testing. Allele origin: germline.
Comment: This sequence change replaces proline, which is neutral and non-polar, with leucine, which is neutral and non-polar, at codon 883 of the HCN4 protein (p.Pro883Leu). This variant is not present in population databases (gnomAD no frequency). This variant has not been reported in the literature in individuals affected with HCN4-related conditions. Invitae Evidence Modeling of protein sequence and biophysical properties (such as structural, functional, and spatial information, amino acid conservation, physicochemical variation, residue mobility, and thermodynamic stability) indicates that this missense variant is not expected to disrupt HCN4 protein function with a negative predictive value of 95%. In summary, the available evidence is currently insufficient to determine the role of this variant in disease. Therefore, it has been classified as a Variant of Uncertain Significance.

NM_005477.3(HCN4):c.2648C>T (p.Pro883Leu)

Gene: HCN4 (hyperpolarization activated cyclic nucleotide gated potassium channel 4; minus strand). Cytogenetic location: 15q24.1.
Variant type: single nucleotide variant.
Coding change: c.2648C>T on transcript NM_005477.3 (MANE Select); coding-DNA position 2648, C replaced by T.
Protein change: p.Pro883Leu; replaces proline 883 with leucine.
Molecular consequence: missense variant.
Genome position (GRCh38, 1-based): chr15:73,323,445, G>A on the plus strand (C>T on the coding strand, the complement: HCN4 is on the minus strand). VCF-style: chr15-73323445-G-A. GRCh37 (hg19) VCF-style: chr15-73615786-G-A.
Other names: short protein forms P883L.
Identifiers: ClinVar variation 4812249 (VCV004812249.1).